The following is an entry in ClinVar:

NM_005546.4(ITK):c.782C>A (p.Ala261Asp)

Gene: ITK (IL2 inducible T cell kinase; plus strand). Cytogenetic location: 5q33.3.
Variant type: single nucleotide variant.
Coding change: c.782C>A on transcript NM_005546.4 (MANE Select); coding-DNA position 782, C replaced by A.
Protein change: p.Ala261Asp; replaces alanine 261 with aspartic acid.
Molecular consequence: missense variant.
Genome position (GRCh38, 1-based): chr5:157,238,122, C>A. VCF-style: chr5-157238122-C-A. GRCh37 (hg19) VCF-style: chr5-156665132-C-A.
Other names: short protein forms A261D.
Identifiers: ClinVar variation 1964620 (VCV001964620.3), dbSNP rs767455537, ClinGen allele CA361957161.

ClinVar aggregate classification (germline): Uncertain significance (1 of 4 stars; one submission).

Conditions:
Lymphoproliferative syndrome 1 (LPFS1). Identifiers: Orphanet 238505, Orphanet 538963, MedGen C3552634, MONDO:0013081, OMIM 613011.

gnomAD v4.1: 1 of 1,613,298 alleles (0.000062%); highest among the groups gnomAD compares: Non-Finnish European, 0.000085%; no homozygotes.

Submission:

Labcorp Genetics (formerly Invitae), Labcorp
Classification: Uncertain significance for Lymphoproliferative syndrome 1. Last evaluated: 2022-03-29. Review status: criteria provided, single submitter. Criteria: Invitae Variant Classification Sherloc (09022015). Collection method: clinical testing. Allele origin: germline.
Comment: This sequence change replaces alanine, which is neutral and non-polar, with aspartic acid, which is acidic and polar, at codon 261 of the ITK protein (p.Ala261Asp). This variant is not present in population databases (gnomAD no frequency). This variant has not been reported in the literature in individuals affected with ITK-related conditions. Advanced modeling of protein sequence and biophysical properties (such as structural, functional, and spatial information, amino acid conservation, physicochemical variation, residue mobility, and thermodynamic stability) performed at Invitae indicates that this missense variant is not expected to disrupt ITK protein function. In summary, the available evidence is currently insufficient to determine the role of this variant in disease. Therefore, it has been classified as a Variant of Uncertain Significance.